The following is an entry in ClinVar:

ClinVar aggregate classification (germline): Conflicting classifications of pathogenicity. Review status: criteria provided, conflicting classifications (1 of 4 stars). 3 submissions from 3 submitters: Uncertain significance (2); Benign (1). Last evaluated 2026-05-01.

Conditions:
Adams-Oliver syndrome 5 (AOS5). Identifiers: Orphanet 974, MedGen C4014970, MONDO:0014459, OMIM 616028.

Allele frequency attached by ClinVar (database versions not stated): gnomAD exomes below 0.00001; gnomAD 0.00001; TOPMed 0.00001.
gnomAD v4.1: 6 of 1,537,478 alleles (0.00039%); highest among the groups gnomAD compares: East Asian, 0.0049%; no homozygotes.

Submissions (3):

CeGaT Center for Human Genetics Tuebingen
Classification: Uncertain significance. Last evaluated: 2026-05-01. Review status: criteria provided, single submitter. Criteria: CeGaT Center For Human Genetics Tuebingen Variant Classification Criteria Version 2. Collection method: clinical testing. Allele origin: germline. Affected: yes. Observed: 1 variant allele.
Comment: NOTCH1: PM2

GeneDx
Classification: Uncertain significance. Last evaluated: 2025-08-26. Review status: criteria provided, single submitter. Criteria: GeneDx Variant Classification Process June 2021. Collection method: clinical testing. Allele origin: germline. Affected: yes.
Comment: Not observed at significant frequency in large population cohorts (gnomAD); In silico analysis supports that this missense variant has a deleterious effect on protein structure/function; This variant is associated with the following publications: (PMID: 37540677)

Labcorp Genetics (formerly Invitae), Labcorp
Classification: Benign for Adams-Oliver syndrome 5. Last evaluated: 2024-01-22. Review status: criteria provided, single submitter. Criteria: Invitae Variant Classification Sherloc (09022015). Collection method: clinical testing. Allele origin: germline.

NM_017617.5(NOTCH1):c.4982G>A (p.Arg1661Gln)

Gene: NOTCH1 (notch receptor 1; minus strand). Cytogenetic location: 9q34.3.
Variant type: single nucleotide variant.
Coding change: c.4982G>A on transcript NM_017617.5 (MANE Select); coding-DNA position 4982, G replaced by A.
Protein change: p.Arg1661Gln; replaces arginine 1661 with glutamine.
Molecular consequence: missense variant.
Genome position (GRCh38, 1-based): chr9:136,504,709, C>T on the plus strand (G>A on the coding strand, the complement: NOTCH1 is on the minus strand). VCF-style: chr9-136504709-C-T. GRCh37 (hg19) VCF-style: chr9-139399161-C-T.
Other names: c.4982G>A (NM_017617.3); short protein forms R1661Q.
Identifiers: ClinVar variation 1915704 (VCV001915704.9), dbSNP rs1163223024, ClinGen allele CA375644126.